The following is an entry in ClinVar:

NM_000245.4(MET):c.2069T>C (p.Ile690Thr)

Gene: MET (MET proto-oncogene, receptor tyrosine kinase; plus strand). Cytogenetic location: 7q31.2.
Variant type: single nucleotide variant.
Coding change: c.2069T>C on transcript NM_000245.4 (MANE Select); coding-DNA position 2069, T replaced by C.
Protein change: p.Ile690Thr; replaces isoleucine 690 with threonine.
Molecular consequence: missense variant.
Genome position (GRCh38, 1-based): chr7:116,757,741, T>C. VCF-style: chr7-116757741-T-C. GRCh37 (hg19) VCF-style: chr7-116397795-T-C.
Other names: c.2069T>C, p.Ile690Thr (NM_001127500.3, NM_001324401.3); c.779T>C, p.Ile260Thr (NM_001324402.2); short protein forms I260T, I690T.
Identifiers: ClinVar variation 5024390 (VCV005024390.1).

ClinVar aggregate classification (germline): Uncertain significance (1 of 4 stars; one submission).

Conditions:
Hereditary cancer-predisposing syndrome. Also called: Neoplastic Syndromes, Hereditary; Tumor predisposition; Hereditary neoplastic syndrome; Hereditary Cancer Syndrome. Identifiers: Orphanet 140162, MedGen C0027672, MeSH D009386, MONDO:0015356.

gnomAD v4.1: 1 of 1,614,002 alleles (0.000062%); highest among the groups gnomAD compares: Non-Finnish European, 0.000085%; no homozygotes.

Submission:

Ambry Genetics
Classification: Uncertain significance for Hereditary cancer-predisposing syndrome. Last evaluated: 2026-07-07. Review status: criteria provided, single submitter. Criteria: Ambry Variant Classification Scheme 2023. Collection method: clinical testing. Allele origin: germline.
Comment: The p.I690T variant (also known as c.2069T>C), located in coding exon 7 of the MET gene, results from a T to C substitution at nucleotide position 2069. The isoleucine at codon 690 is replaced by threonine, an amino acid with similar properties. This amino acid position is conserved. In addition, the in silico prediction for this alteration is inconclusive. Based on the available evidence, the clinical significance of this variant remains unclear.